The following is an entry in ClinVar:

NM_002241.5(KCNJ10):c.511C>T (p.Arg171Trp)

Gene: KCNJ10 (potassium inwardly rectifying channel subfamily J member 10; minus strand). Cytogenetic location: 1q23.2.
Variant type: single nucleotide variant.
Coding change: c.511C>T on transcript NM_002241.5 (MANE Select); coding-DNA position 511, C replaced by T.
Protein change: p.Arg171Trp; replaces arginine 171 with tryptophan.
Molecular consequence: missense variant.
Genome position (GRCh38, 1-based): chr1:160,042,022, G>A on the plus strand (C>T on the coding strand, the complement: KCNJ10 is on the minus strand). VCF-style: chr1-160042022-G-A. GRCh37 (hg19) VCF-style: chr1-160011812-G-A.
Other names: short protein forms R171W.
Identifiers: ClinVar variation 537736 (VCV000537736.21), dbSNP rs769666695, ClinGen allele CA1193240.

ClinVar aggregate classification (germline): Conflicting classifications of pathogenicity. Review status: criteria provided, conflicting classifications (1 of 4 stars). 4 submissions from 4 submitters: Likely pathogenic (2); Uncertain significance (2). Last evaluated 2026-02-14.

Conditions:
EAST syndrome (SESAMES). Also called: SEIZURES, SENSORINEURAL DEAFNESS, ATAXIA, IMPAIRED INTELLECTUAL DEVELOPMENT, AND ELECTROLYTE IMBALANCE. Identifiers: Orphanet 199343, MedGen C2748572, MONDO:0013005, OMIM 612780.
Pendred syndrome (PDS). Also called: Pendred's syndrome; DEAFNESS WITH GOITER; GOITER-DEAFNESS SYNDROME; HYPOTHYROIDISM, CONGENITAL, DUE TO DYSHORMONOGENESIS, 2B; THYROID DYSHORMONOGENESIS 2B; THYROID HORMONOGENESIS, GENETIC DEFECT IN, 2B. Identifiers: Orphanet 705, MedGen C0271829, MONDO:0010134, OMIM 274600.
Autosomal recessive nonsyndromic hearing loss 4 (DFNB4). Also called: FOXI1-Related Pendred Syndrome; KCNJ10-Related Pendred Syndrome; DEAFNESS, AUTOSOMAL RECESSIVE 4, WITH ENLARGED VESTIBULAR AQUEDUCT, DIGENIC; NEUROSENSORY NONSYNDROMIC RECESSIVE DEAFNESS 4; Deafness, autosomal recessive 4, with enlarged vestibular aqueduct; Nonsyndromic enlarged vestibular aqueduct (NSEVA). Identifiers: Orphanet 90636, MedGen C3538946, MONDO:0010933, OMIM 600791.

Allele frequency attached by ClinVar (database versions not stated): gnomAD exomes below 0.00001; TOPMed below 0.00001; ExAC 0.00001; gnomAD 0.00001.

Submissions (4):

GeneDx
Classification: Likely pathogenic. Last evaluated: 2026-02-14. Review status: criteria provided, single submitter. Criteria: GeneDx Variant Classification Process June 2021. Collection method: clinical testing. Allele origin: germline.
Comment: Published functional studies demonstrate the variant p.R245W results in electrophysiological dysfunction (PMID: 38979912); Not observed at significant frequency in large population cohorts (gnomAD); In silico analysis supports that this missense variant has a deleterious effect on protein structure/function; This variant is associated with the following publications: (PMID: 38979912, 39206934)

CeGaT Center for Human Genetics Tuebingen
Classification: Likely pathogenic. Last evaluated: 2024-10-01. Review status: criteria provided, single submitter. Criteria: CeGaT Center For Human Genetics Tuebingen Variant Classification Criteria Version 2. Collection method: clinical testing. Allele origin: germline. Affected: yes. Observed: 2 variant alleles.
Comment: KCNJ10: PM2, PM5, PS4:Moderate, PP3, PS3:Supporting

Labcorp Genetics (formerly Invitae), Labcorp
Classification: Uncertain significance for EAST syndrome. Last evaluated: 2022-10-13. Review status: criteria provided, single submitter. Criteria: Invitae Variant Classification Sherloc (09022015). Collection method: clinical testing. Allele origin: germline.
Comment: This sequence change replaces arginine, which is basic and polar, with tryptophan, which is neutral and slightly polar, at codon 171 of the KCNJ10 protein (p.Arg171Trp). This variant is present in population databases (rs769666695, gnomAD 0.001%). This variant has not been reported in the literature in individuals affected with KCNJ10-related conditions. ClinVar contains an entry for this variant (Variation ID: 537736). Advanced modeling of protein sequence and biophysical properties (such as structural, functional, and spatial information, amino acid conservation, physicochemical variation, residue mobility, and thermodynamic stability) performed at Invitae indicates that this missense variant is expected to disrupt KCNJ10 protein function. This variant disrupts the p.Arg171 amino acid residue in KCNJ10. Other variant(s) that disrupt this residue have been determined to be pathogenic (PMID: 32062759). This suggests that this residue is clinically significant, and that variants that disrupt this residue are likely to be disease-causing. In summary, the available evidence is currently insufficient to determine the role of this variant in disease. Therefore, it has been classified as a Variant of Uncertain Significance.

Fulgent Genetics
Classification: Uncertain significance for Pendred syndrome; Autosomal recessive nonsyndromic hearing loss 4; EAST syndrome. Last evaluated: 2018-10-31. Review status: criteria provided, single submitter. Criteria: ACMG Guidelines, 2015. Collection method: clinical testing. Allele origin: unknown.

Literature cited by the submitters: PubMed 32062759 (cited by Labcorp Genetics (formerly Invitae), Labcorp).